The following is an entry in ClinVar:

NM_020338.4(ZMIZ1):c.2361C>T (p.Thr787=)

Genes: ZMIZ1 (zinc finger MIZ-type containing 1; plus strand), LOC126860975 (CDK7 strongly-dependent group 2 enhancer GRCh37_chr10:81064163-81065362; plus strand). Cytogenetic location: 10q22.3.
Variant type: single nucleotide variant.
Coding change: c.2361C>T on transcript NM_020338.4 (MANE Select); coding-DNA position 2361, C replaced by T.
Protein change: p.Thr787=; no amino-acid change (threonine 787 retained).
Molecular consequence: synonymous variant.
Genome position (GRCh38, 1-based): chr10:79,305,539, C>T. VCF-style: chr10-79305539-C-T. GRCh37 (hg19) VCF-style: chr10-81065296-C-T.
Identifiers: ClinVar variation 1973287 (VCV001973287.13), dbSNP rs377519817, ClinGen allele CA5572998.

ClinVar aggregate classification (germline): Likely benign. Review status: criteria provided, multiple submitters, no conflicts (2 of 4 stars). 3 submissions from 3 submitters: Likely benign (3). Last evaluated 2025-04-01.

Allele frequency attached by ClinVar (database versions not stated): ExAC 0.00002; TOPMed 0.00002; ESP Exome Variant Server 0.00008.
gnomAD v4.1: 30 of 1,613,990 alleles (0.0019%); highest among the groups gnomAD compares: Non-Finnish European, 0.0025%; no homozygotes.

Submissions (3):

CeGaT Center for Human Genetics Tuebingen
Classification: Likely benign. Last evaluated: 2025-04-01. Review status: criteria provided, single submitter. Criteria: CeGaT Center For Human Genetics Tuebingen Variant Classification Criteria Version 2. Collection method: clinical testing. Allele origin: germline. Affected: yes. Observed: 1 variant allele.
Comment: ZMIZ1: BP4, BP7

Blueprint Genetics
Classification: Likely benign. Last evaluated: 2024-03-21. Review status: criteria provided, single submitter. Criteria: ACMG Guidelines, 2015. Collection method: clinical testing. Allele origin: germline.

Labcorp Genetics (formerly Invitae), Labcorp
Classification: Likely benign. Last evaluated: 2022-04-16. Review status: criteria provided, single submitter. Criteria: Invitae Variant Classification Sherloc (09022015). Collection method: clinical testing. Allele origin: germline.